The following is an entry in ClinVar:

NM_054012.4(ASS1):c.339T>G (p.Tyr113Ter)

Gene: ASS1 (argininosuccinate synthase 1; plus strand). Cytogenetic location: 9q34.11.
Variant type: single nucleotide variant.
Coding change: c.339T>G on transcript NM_054012.4 (MANE Select); coding-DNA position 339, T replaced by G.
Protein change: p.Tyr113Ter; replaces tyrosine 113 with a stop codon.
Molecular consequence: nonsense.
Genome position (GRCh38, 1-based): chr9:130,458,565, T>G. VCF-style: chr9-130458565-T-G. GRCh37 (hg19) VCF-style: chr9-133333952-T-G.
Other names: c.339T>G, p.Tyr113Ter (NM_000050.4); short protein forms Y113*.
Identifiers: ClinVar variation 945859 (VCV000945859.8), dbSNP rs1845506282, ClinGen allele CA375225320.

ClinVar aggregate classification (germline): Pathogenic (1 of 4 stars; one submission).

Conditions:
Citrullinemia. Identifiers: Orphanet 187, MedGen C0175683, MONDO:0015991.

Submission:

Labcorp Genetics (formerly Invitae), Labcorp
Classification: Pathogenic for Citrullinemia. Last evaluated: 2020-12-16. Review status: criteria provided, single submitter. Criteria: Invitae Variant Classification Sherloc (09022015). Collection method: clinical testing. Allele origin: germline.
Comment: This sequence change creates a premature translational stop signal (p.Tyr113*) in the ASS1 gene. It is expected to result in an absent or disrupted protein product. This variant is not present in population databases (ExAC no frequency). This variant has not been reported in the literature in individuals with ASS1-related conditions. Loss-of-function variants in ASS1 are known to be pathogenic (PMID: 18473344, 19006241). For these reasons, this variant has been classified as Pathogenic.

Literature cited by the submitters: PubMed 18473344; PubMed 19006241.